The following is an entry in ClinVar:

NM_014009.4(FOXP3):c.836C>T (p.Ser279Phe)

Gene: FOXP3 (forkhead box P3; minus strand). Cytogenetic location: Xp11.23.
Variant type: single nucleotide variant.
Coding change: c.836C>T on transcript NM_014009.4 (MANE Select); coding-DNA position 836, C replaced by T.
Protein change: p.Ser279Phe; replaces serine 279 with phenylalanine.
Molecular consequence: missense variant.
Genome position (GRCh38, 1-based): chrX:49,254,048, G>A on the plus strand (C>T on the coding strand, the complement: FOXP3 is on the minus strand). VCF-style: chrX-49254048-G-A. GRCh37 (hg19) VCF-style: chrX-49110509-G-A.
Other names: c.836C>T (NM_014009.3); c.731C>T, p.Ser244Phe (NM_001114377.2); short protein forms S244F, S279F.
Identifiers: ClinVar variation 1389893 (VCV001389893.7), dbSNP rs781902347, ClinGen allele CA10411720.

ClinVar aggregate classification (germline): Uncertain significance. Review status: criteria provided, multiple submitters, no conflicts (2 of 4 stars). 2 submissions from 2 submitters: Uncertain significance (2). Last evaluated 2026-01-05.

Conditions:
Insulin-dependent diabetes mellitus secretory diarrhea syndrome (IPEX). Also called: Immunodysregulation, polyendocrinopathy, and enteropathy, X-linked; IPEX and IPEX-Like; Immunodeficiency, Polyendocrinopathy, and Enteropathy X-Linked Syndrome; X-Linked Syndrome of Polyendocrinopathy, Immune Dysfunction, and Diarrhea; DIABETES MELLITUS, CONGENITAL INSULIN-DEPENDENT, WITH FATAL SECRETORY DIARRHEA; DIARRHEA, POLYENDOCRINOPATHY, FATAL INFECTION SYNDROME, X-LINKED. Identifiers: Orphanet 37042, MedGen C0342288, MONDO:0010580, OMIM 304790. Disease mechanism: loss of function.
Inborn genetic diseases. Identifiers: MedGen C0950123, MeSH D030342.

Allele frequency attached by ClinVar (database versions not stated): gnomAD exomes 0.00001 and 0.00002; ExAC 0.00002.
gnomAD v4.1: 10 of 1,208,648 alleles (0.00083%); highest among the groups gnomAD compares: South Asian, 0.011%; no homozygotes.

Submissions (2):

Ambry Genetics
Classification: Uncertain significance for Inborn genetic diseases. Last evaluated: 2026-01-05. Review status: criteria provided, single submitter. Criteria: Ambry Variant Classification Scheme 2023. Collection method: clinical testing. Allele origin: germline.

Labcorp Genetics (formerly Invitae), Labcorp
Classification: Uncertain significance for Insulin-dependent diabetes mellitus secretory diarrhea syndrome. Last evaluated: 2024-02-24. Review status: criteria provided, single submitter. Criteria: Invitae Variant Classification Sherloc (09022015). Collection method: clinical testing. Allele origin: germline.
Comment: This sequence change replaces serine, which is neutral and polar, with phenylalanine, which is neutral and non-polar, at codon 279 of the FOXP3 protein (p.Ser279Phe). This variant is present in population databases (rs781902347, gnomAD 0.02%). This variant has not been reported in the literature in individuals affected with FOXP3-related conditions. ClinVar contains an entry for this variant (Variation ID: 1389893). Advanced modeling of protein sequence and biophysical properties (such as structural, functional, and spatial information, amino acid conservation, physicochemical variation, residue mobility, and thermodynamic stability) performed at Invitae indicates that this missense variant is not expected to disrupt FOXP3 protein function with a negative predictive value of 80%. In summary, the available evidence is currently insufficient to determine the role of this variant in disease. Therefore, it has been classified as a Variant of Uncertain Significance.